The following is an entry in ClinVar:

ClinVar aggregate classification (germline): Benign/Likely benign. Review status: criteria provided, multiple submitters, no conflicts (2 of 4 stars). 7 submissions from 7 submitters: Benign (1); Likely benign (6). Last evaluated 2026-08-01.

Conditions:
Blepharophimosis - intellectual disability syndrome, SBBYS type (SBBYSS). Also called: Say-Barber-Biesecker variant of Ohdo syndrome (SBBYSS); Say-Barber-Biesecker Variant of Ohdo Syndrome; Say-Barber-Biesecker-Young-Simpson syndrome; Ohdo syndrome, SBBYS variant; SBBYSS syndrome; Young Simpson syndrome. Identifiers: Orphanet 3047, MedGen C1863557, MONDO:0011365, OMIM 603736.
Genitopatellar syndrome (GTPTS). Also called: Genitopatellar syndrome (GPS); ABSENT PATELLAE, SCROTAL HYPOPLASIA, RENAL ANOMALIES, FACIAL DYSMORPHISM, AND MENTAL RETARDATION. Identifiers: Orphanet 85201, MedGen C1853566, MONDO:0011640, OMIM 606170.

Submissions (7):

CeGaT Center for Human Genetics Tuebingen
Classification: Likely benign. Last evaluated: 2026-08-01. Review status: criteria provided, single submitter. Criteria: CeGaT Center For Human Genetics Tuebingen Variant Classification Criteria Version 2. Collection method: clinical testing. Allele origin: germline. Affected: yes. Observed: 10 variant alleles.
Comment: KAT6B: PS2:Moderate, BS1, BS2

Labcorp Genetics (formerly Invitae), Labcorp
Classification: Likely benign for Genitopatellar syndrome. Last evaluated: 2026-01-19. Review status: criteria provided, single submitter. Criteria: Invitae Variant Classification Sherloc (09022015). Collection method: clinical testing. Allele origin: germline.

Blueprint Genetics
Classification: Likely benign. Last evaluated: 2024-10-23. Review status: criteria provided, single submitter. Criteria: ACMG Guidelines, 2015. Collection method: clinical testing. Allele origin: germline.

Fulgent Genetics
Classification: Likely benign for Blepharophimosis - intellectual disability syndrome, SBBYS type; Genitopatellar syndrome. Last evaluated: 2022-04-04. Review status: criteria provided, single submitter. Criteria: ACMG Guidelines, 2015. Collection method: clinical testing. Allele origin: unknown.

Mendelics
Classification: Likely benign for Genitopatellar syndrome. Last evaluated: 2019-05-28. Review status: criteria provided, single submitter. Criteria: Mendelics Assertion Criteria 2017. Collection method: clinical testing. Allele origin: unknown.

GeneDx
Classification: Benign. Last evaluated: 2017-11-10. Review status: criteria provided, single submitter. Criteria: GeneDx Variant Classification Process June 2021. Collection method: clinical testing. Allele origin: germline. Affected: yes.
Comment: This variant is associated with the following publications: (PMID: 28857140, 26370006, 26334766, 25424711)

PreventionGenetics, part of Exact Sciences
Classification: Likely benign. Review status: criteria provided, single submitter. Criteria: ACMG Guidelines, 2015. Collection method: clinical testing. Allele origin: germline.

NM_012330.4(KAT6B):c.4065GGA[3] (p.Glu1367_Glu1368del)

Gene: KAT6B (lysine acetyltransferase 6B; plus strand). Cytogenetic location: 10q22.2.
Variant type: Microsatellite.
Coding change: c.4065GGA[3] on transcript NM_012330.4 (MANE Select); three copies in a row of the 3-base unit GGA starting at c.4065; the reference has five copies in a row; two copies, 6 bases deleted; also written c.4074_4079del.
Protein change: p.Glu1367_Glu1368del.
Molecular consequence: inframe deletion.
Genome position (GRCh38, 1-based): chr10:75,028,898-75,028,903, GGAGGA deleted; deleting any 6 consecutive bases within chr10:75,028,887-75,028,903 gives the same sequence; the position shown is the placement nearest the transcript's 3' end. VCF-style (leftmost placement, unchanged base first): chr10-75028886-AGAGGAG-A. GRCh37 (hg19) VCF-style: chr10-76788644-AGAGGAG-A.
Other names: c.3516GGA[3], p.Glu1184_Glu1185del (NM_001256468.2, NM_001370138.1); c.3189GGA[3], p.Glu1075_Glu1076del (NM_001256469.2, NM_001370139.1, NM_001370140.1 and 2 more transcripts); c.3027GGA[3], p.Glu1021_Glu1022del (NM_001370132.1); c.2376GGA[3], p.Glu804_Glu805del (NM_001370133.1); c.1980GGA[3], p.Glu672_Glu673del (NM_001370134.1); c.1722GGA[3], p.Glu586_Glu587del (NM_001370135.1); c.4065GGA[3], p.Glu1367_Glu1368del (NM_001370136.1, NM_001370137.1); c.3000GGA[3], p.Glu1012_Glu1013del (NM_001370143.1, NM_001370144.1); and 1 more.
Identifiers: ClinVar variation 260241 (VCV000260241.42), dbSNP rs367634881, ClinGen allele CA5564954.